The following is an entry in ClinVar:

NM_001042492.3(NF1):c.7424del (p.Thr2475fs)

Gene: NF1 (neurofibromin 1; plus strand). Cytogenetic location: 17q11.2.
Variant type: Deletion.
Coding change: c.7424del on transcript NM_001042492.3 (MANE Select); coding-DNA position 7424, one base deleted (C; older notation c.7424delC).
Protein change: p.Thr2475fs; shifts the reading frame from threonine 2475.
Molecular consequence: frameshift variant.
Genome position (GRCh38, 1-based): chr17:31,350,285, C deleted. VCF-style (leftmost placement, unchanged base first): chr17-31350284-AC-A. GRCh37 (hg19) VCF-style: chr17-29677302-AC-A.
Other names: c.7361delC, p.Thr2454Asnfs (NM_000267.4); short protein forms T2454fs, T2475fs.
Identifiers: ClinVar variation 1069810 (VCV001069810.5), dbSNP rs2151574567, ClinGen allele CA2499224224.

ClinVar aggregate classification (germline): Pathogenic (1 of 4 stars; one submission).

Conditions:
Neurofibromatosis, type 1 (NF1). Also called: VON RECKLINGHAUSEN DISEASE; Peripheral type neurofibromatosis; NEUROFIBROMATOSIS, TYPE I, SOMATIC; Neurofibromatosis, type I. Identifiers: Orphanet 636, MedGen C0027831, MONDO:0018975, OMIM 162200. Disease mechanism: loss of function.

Submission:

Labcorp Genetics (formerly Invitae), Labcorp
Classification: Pathogenic for Neurofibromatosis, type 1. Last evaluated: 2020-08-30. Review status: criteria provided, single submitter. Criteria: Invitae Variant Classification Sherloc (09022015). Collection method: clinical testing. Allele origin: germline.
Comment: For these reasons, this variant has been classified as Pathogenic. Loss-of-function variants in NF1 are known to be pathogenic (PMID: 10712197, 23913538). This variant has not been reported in the literature in individuals with NF1-related conditions. This variant is not present in population databases (ExAC no frequency). This sequence change creates a premature translational stop signal (p.Thr2454Asnfs*14) in the NF1 gene. It is expected to result in an absent or disrupted protein product.

Literature cited by the submitters: PubMed 10712197; PubMed 23913538.